The following is an entry in ClinVar:

NM_000096.4(CP):c.2886T>G (p.Asn962Lys)

Gene: CP (ceruloplasmin; minus strand). Cytogenetic location: 3q24.
Variant type: single nucleotide variant.
Coding change: c.2886T>G on transcript NM_000096.4 (MANE Select); coding-DNA position 2886, T replaced by G.
Protein change: p.Asn962Lys; replaces asparagine 962 with lysine.
Molecular consequence: missense variant. On other transcripts: non-coding transcript variant (1).
Genome position (GRCh38, 1-based): chr3:149,177,972, A>C on the plus strand (T>G on the coding strand, the complement: CP is on the minus strand). VCF-style: chr3-149177972-A-C. GRCh37 (hg19) VCF-style: chr3-148895759-A-C.
Other names: short protein forms N962K.
Identifiers: ClinVar variation 1994966 (VCV001994966.4), dbSNP rs1225488846, ClinGen allele CA354929382.

ClinVar aggregate classification (germline): Uncertain significance (1 of 4 stars; one submission).

Conditions:
Deficiency of ferroxidase (ACEP). Also called: Aceruloplasminemia; Ceruloplasmin deficiency; Familial apoceruloplasmin deficiency; Hereditary ceruloplasmin deficiency; NEURODEGENERATION WITH BRAIN IRON ACCUMULATION 10; Deficiency of ceruloplasmin. Identifiers: Orphanet 48818, MedGen C0878682, MONDO:0011426, OMIM 604290, HP:0025498.

Allele frequency attached by ClinVar (database versions not stated): gnomAD exomes below 0.00001.
gnomAD v4.1: 1 of 1,613,376 alleles (0.000062%); highest among the groups gnomAD compares: Non-Finnish European, 0.000085%; no homozygotes.

Submission:

Labcorp Genetics (formerly Invitae), Labcorp
Classification: Uncertain significance for Deficiency of ferroxidase. Last evaluated: 2022-05-25. Review status: criteria provided, single submitter. Criteria: Invitae Variant Classification Sherloc (09022015). Collection method: clinical testing. Allele origin: germline.
Comment: Advanced modeling of protein sequence and biophysical properties (such as structural, functional, and spatial information, amino acid conservation, physicochemical variation, residue mobility, and thermodynamic stability) performed at Invitae indicates that this missense variant is expected to disrupt CP protein function. In summary, the available evidence is currently insufficient to determine the role of this variant in disease. Therefore, it has been classified as a Variant of Uncertain Significance. This variant has not been reported in the literature in individuals affected with CP-related conditions. This variant is not present in population databases (gnomAD no frequency). This sequence change replaces asparagine, which is neutral and polar, with lysine, which is basic and polar, at codon 962 of the CP protein (p.Asn962Lys).